The following is an entry in ClinVar:

NM_000154.2(GALK1):c.475+1G>A

Gene: GALK1 (galactokinase 1; minus strand). Cytogenetic location: 17q25.1.
Variant type: single nucleotide variant.
Coding change: c.475+1G>A on transcript NM_000154.2 (MANE Select); the canonical splice donor site of the intron after coding-DNA position 475, G replaced by A.
Molecular consequence: splice donor variant.
Genome position (GRCh38, 1-based): chr17:75,763,319, C>T on the plus strand (G>A on the coding strand, the complement: GALK1 is on the minus strand). VCF-style: chr17-75763319-C-T. GRCh37 (hg19) VCF-style: chr17-73759400-C-T.
Other names: c.475+1G>A (NM_001381985.1).
Identifiers: ClinVar variation 2041246 (VCV002041246.4), dbSNP rs2545903700, ClinGen allele CA401104924.

ClinVar aggregate classification (germline): Likely pathogenic (1 of 4 stars; one submission).

Conditions:
Deficiency of galactokinase. Also called: GALACTOSEMIA II; Galactokinase deficiency with cataracts. Identifiers: Orphanet 352, Orphanet 79237, MedGen C0268155, MONDO:0009255, OMIM 230200.

Submission:

Labcorp Genetics (formerly Invitae), Labcorp
Classification: Likely pathogenic for Deficiency of galactokinase. Last evaluated: 2022-01-11. Review status: criteria provided, single submitter. Criteria: Invitae Variant Classification Sherloc (09022015). Collection method: clinical testing. Allele origin: germline.
Comment: In summary, the currently available evidence indicates that the variant is pathogenic, but additional data are needed to prove that conclusively. Therefore, this variant has been classified as Likely Pathogenic. Algorithms developed to predict the effect of sequence changes on RNA splicing suggest that this variant may disrupt the consensus splice site. This variant has not been reported in the literature in individuals affected with GALK1-related conditions. This variant is not present in population databases (gnomAD no frequency). This sequence change affects a donor splice site in intron 3 of the GALK1 gene. It is expected to disrupt RNA splicing. Variants that disrupt the donor or acceptor splice site typically lead to a loss of protein function (PMID: 16199547), and loss-of-function variants in GALK1 are known to be pathogenic (PMID: 7670469, 10790206).

Literature cited by the submitters: PubMed 16199547; PubMed 7670469; PubMed 10790206.